The following is an entry in ClinVar:

NM_002691.4(POLD1):c.1686+2T>G

Gene: POLD1 (DNA polymerase delta 1, catalytic subunit; plus strand). Cytogenetic location: 19q13.33.
Variant type: single nucleotide variant.
Coding change: c.1686+2T>G on transcript NM_002691.4 (MANE Select); the canonical splice donor site of the intron after coding-DNA position 1686, T replaced by G.
Molecular consequence: splice donor variant.
Genome position (GRCh38, 1-based): chr19:50,407,176, T>G. VCF-style: chr19-50407176-T-G. GRCh37 (hg19) VCF-style: chr19-50910433-T-G.
Other names: NC_000019.9:g.50910433T>G; c.1686+2T>G (NM_001256849.1, NM_001308632.1).
Identifiers: ClinVar variation 3422003 (VCV003422003.2).

ClinVar aggregate classification (germline): Uncertain significance (1 of 4 stars; one submission).

Conditions:
Hereditary cancer-predisposing syndrome. Also called: Neoplastic Syndromes, Hereditary; Tumor predisposition; Hereditary Cancer Syndrome; Hereditary neoplastic syndrome. Identifiers: Orphanet 140162, MedGen C0027672, MeSH D009386, MONDO:0015356.

Submissions (3):

Ambry Genetics
Classification: Uncertain significance for Hereditary cancer-predisposing syndrome. Last evaluated: 2024-11-18. Review status: criteria provided, single submitter. Criteria: Ambry Variant Classification Scheme 2023. Collection method: clinical testing. Allele origin: germline.
Comment: The c.1686+2T>G intronic variant results from a T to G substitution two nucleotides after coding exon 12 in the POLD1 gene. Alterations that disrupt the canonical splice site are expected to result in aberrant splicing. In silico splice site analysis predicts that this alteration will weaken the native splice donor site and will result in the creation or strengthening of a novel splice donor site. The resulting transcript is predicted to be in-frame and is not expected to trigger nonsense-mediated mRNA decay; however, direct evidence is unavailable. The exact functional effect of the altered amino acid sequence is unknown. This nucleotide position is highly conserved in available vertebrate species. Based on the available evidence, the clinical significance of this variant remains unclear.

Dr. Peter K. Rogan Lab, Western University
No classification provided (evidence only). Condition: Thyroid cancer, nonmedullary, 1. Review status: no classification provided. Collection method: in vitro. Allele origin: not applicable. Functional consequence: retained intron. Not counted in ClinVar's aggregate classification.

Dr. Peter K. Rogan Lab, Western University
No classification provided (evidence only). Condition: Thyroid cancer, nonmedullary, 1. Review status: no classification provided. Collection method: in vitro. Allele origin: not applicable. Functional consequence: retained intron. Not counted in ClinVar's aggregate classification.